The following is an entry in ClinVar:

ClinVar aggregate classification (germline): Uncertain significance. Review status: criteria provided, multiple submitters, no conflicts (2 of 4 stars). 4 submissions from 4 submitters: Uncertain significance (4). Last evaluated 2026-01-07.

Conditions:
Hereditary cancer-predisposing syndrome. Also called: Tumor predisposition; Hereditary Cancer Syndrome; Neoplastic Syndromes, Hereditary; Hereditary neoplastic syndrome. Identifiers: Orphanet 140162, MedGen C0027672, MeSH D009386, MONDO:0015356.
Familial cancer of breast. Also called: Hereditary breast cancer; BREAST CANCER, FAMILIAL; hereditary breast carcinoma. Identifiers: Orphanet 227535, MedGen C0346153, MONDO:0016419, OMIM 114480. Disease mechanism: loss of function.

Allele frequency attached by ClinVar (database versions not stated): gnomAD exomes below 0.00001.
gnomAD v4.1: 1 of 1,554,814 alleles (0.000064%); highest among the groups gnomAD compares: Non-Finnish European, 0.000088%; no homozygotes.

Submissions (4):

Labcorp Genetics (formerly Invitae), Labcorp
Classification: Uncertain significance for Familial cancer of breast. Last evaluated: 2026-01-07. Review status: criteria provided, single submitter. Criteria: Invitae Variant Classification Sherloc (09022015). Collection method: clinical testing. Allele origin: germline.
Comment: This sequence change replaces proline, which is neutral and non-polar, with serine, which is neutral and polar, at codon 283 of the CHEK2 protein (p.Pro283Ser). This variant is not present in population databases (gnomAD no frequency). This variant has not been reported in the literature in individuals affected with CHEK2-related conditions. ClinVar contains an entry for this variant (Variation ID: 479584). An algorithm developed to predict the effect of missense changes on protein structure and function (PolyPhen-2) suggests that this variant is likely to be disruptive. In summary, the available evidence is currently insufficient to determine the role of this variant in disease. Therefore, it has been classified as a Variant of Uncertain Significance.

Ambry Genetics
Classification: Uncertain significance for Hereditary cancer-predisposing syndrome. Last evaluated: 2025-12-17. Review status: criteria provided, single submitter. Criteria: Ambry Variant Classification Scheme 2023. Collection method: clinical testing. Allele origin: germline.
Comment: The p.P283S variant (also known as c.847C>T), located in coding exon 7 of the CHEK2 gene, results from a C to T substitution at nucleotide position 847. This variant impacts the first base pair of coding exon 7. The proline at codon 283 is replaced by serine, an amino acid with similar properties. This alteration was identified in a cohort of individuals diagnosed with breast cancer (Chen B et al. Aging (Albany NY), 2020 Feb;12:3140-3155). This alteration behaved as functional in a study assessing CHEK2-complementation through quantification of KAP1 phosphorylation and CHK2 autophosphorylation in human RPE1-CHEK2-knockout cells, however was excluded from making any further conclusions on functional impact due to a possible predicted splicing impact, as this study was cDNA-based, and therefore would not be relevant for assessing functional consequences of aberrant splicing (Stolarova L et al. Clin Cancer Res. 2023 Aug;29(16):3037-3050). This amino acid position is highly conserved in available vertebrate species. In silico analysis for this alteration is inconclusive. RNA studies have demonstrated that this alteration results in an incomplete splice defect; the clinical impact of this abnormal splicing is unknown at this time (Ambry internal data). Based on the available evidence, the clinical significance of this variant remains unclear.

Quest Diagnostics Nichols Institute San Juan Capistrano
Classification: Uncertain significance. Last evaluated: 2023-06-06. Review status: criteria provided, single submitter. Criteria: Quest Diagnostics criteria. Collection method: clinical testing. Allele origin: unknown.
Comment: In a large-scale breast cancer association study, the variant was observed in an unaffected individual (PMID: 33471991 (2021), see also LOVD). This variant has not been reported in large, multi-ethnic general populations (Genome Aggregation Database). Analysis of this variant using bioinformatics tools for the prediction of the effect of amino acid changes on protein structure and function yielded predictions that this variant is damaging. Based on the available information, we are unable to determine the clinical significance of this variant.

Color Diagnostics, LLC DBA Color Health
Classification: Uncertain significance for Hereditary cancer-predisposing syndrome. Last evaluated: 2019-03-20. Review status: criteria provided, single submitter. Criteria: ACMG Guidelines, 2015. Collection method: clinical testing. Allele origin: germline.

Literature cited by the submitters: PubMed 32091409 (cited by Ambry Genetics); PubMed 37449874 (cited by Ambry Genetics); PubMed 33471991 (cited by Quest Diagnostics Nichols Institute San Juan Capistrano).

NM_007194.4(CHEK2):c.847C>T (p.Pro283Ser)

Gene: CHEK2 (checkpoint kinase 2; minus strand). Cytogenetic location: 22q12.1.
Variant type: single nucleotide variant.
Coding change: c.847C>T on transcript NM_007194.4 (MANE Select); coding-DNA position 847, C replaced by T.
Protein change: p.Pro283Ser; replaces proline 283 with serine.
Molecular consequence: missense variant.
Genome position (GRCh38, 1-based): chr22:28,703,566, G>A on the plus strand (C>T on the coding strand, the complement: CHEK2 is on the minus strand). VCF-style: chr22-28703566-G-A. GRCh37 (hg19) VCF-style: chr22-29099554-G-A.
Other names: c.184C>T, p.Pro62Ser (NM_001257387.3); c.646C>T, p.Pro216Ser (NM_001349956.3); c.847C>T, p.Pro283Ser (NM_145862.3); c.976C>T, p.Pro326Ser (NM_001005735.3); short protein forms P283S, P216S, P326S, P62S.
Identifiers: ClinVar variation 479584 (VCV000479584.20), dbSNP rs1555917036, ClinGen allele CA411101381.